The following is an entry in ClinVar:

ClinVar aggregate classification (germline): Uncertain significance. Review status: criteria provided, multiple submitters, no conflicts (2 of 4 stars). 3 submissions from 3 submitters: Uncertain significance (2). 1 of the submissions does not count toward it. Last evaluated 2025-07-20.

Conditions:
Cardiovascular phenotype. Identifiers: MedGen CN230736.
Dilated cardiomyopathy 1DD (CMD1DD). Identifiers: Orphanet 154, MedGen C2750995, MONDO:0013168, OMIM 613172.
RBM20-related disorder. Also called: RBM20-related condition.

Allele frequency attached by ClinVar (database versions not stated): gnomAD 0.00001; gnomAD exomes 0.00001; TOPMed 0.00001.
gnomAD v4.1: 78 of 1,551,710 alleles (0.005%); highest among the groups gnomAD compares: South Asian, 0.019%; no homozygotes.

Submissions (3):

Labcorp Genetics (formerly Invitae), Labcorp
Classification: Uncertain significance for Dilated cardiomyopathy 1DD. Last evaluated: 2025-07-20. Review status: criteria provided, single submitter. Criteria: Invitae Variant Classification Sherloc (09022015). Collection method: clinical testing. Allele origin: germline.
Comment: This sequence change replaces alanine, which is neutral and non-polar, with valine, which is neutral and non-polar, at codon 387 of the RBM20 protein (p.Ala387Val). The frequency data for this variant in the population databases is considered unreliable, as metrics indicate poor data quality at this position in the gnomAD database. This variant has not been reported in the literature in individuals affected with RBM20-related conditions. ClinVar contains an entry for this variant (Variation ID: 411649). Invitae Evidence Modeling of protein sequence and biophysical properties (such as structural, functional, and spatial information, amino acid conservation, physicochemical variation, residue mobility, and thermodynamic stability) indicates that this missense variant is not expected to disrupt RBM20 protein function with a negative predictive value of 95%. In summary, the available evidence is currently insufficient to determine the role of this variant in disease. Therefore, it has been classified as a Variant of Uncertain Significance.

Ambry Genetics
Classification: Uncertain significance for Cardiovascular phenotype. Last evaluated: 2023-06-28. Review status: criteria provided, single submitter. Criteria: Ambry Variant Classification Scheme 2023. Collection method: clinical testing. Allele origin: germline.

PreventionGenetics, part of Exact Sciences
Classification: Uncertain significance for RBM20-related condition. Last evaluated: 2024-09-18. Review status: no assertion criteria provided. Collection method: clinical testing. Allele origin: germline. Not counted in ClinVar's aggregate classification.
Comment: The RBM20 c.1160C>T variant is predicted to result in the amino acid substitution p.Ala387Val. To our knowledge, this variant has not been reported in the literature. This variant is reported in 0.0017% of alleles in individuals of European (Non-Finnish) descent in gnomAD. At this time, the clinical significance of this variant is uncertain due to the absence of conclusive functional and genetic evidence.

NM_001134363.3(RBM20):c.1160C>T (p.Ala387Val)

Gene: RBM20 (RNA binding motif protein 20; plus strand). Cytogenetic location: 10q25.2.
Variant type: single nucleotide variant.
Coding change: c.1160C>T on transcript NM_001134363.3 (MANE Select); coding-DNA position 1160, C replaced by T.
Protein change: p.Ala387Val; replaces alanine 387 with valine.
Molecular consequence: missense variant.
Genome position (GRCh38, 1-based): chr10:110,781,769, C>T. VCF-style: chr10-110781769-C-T. GRCh37 (hg19) VCF-style: chr10-112541527-C-T.
Other names: c.1160C>T (NM_001134363.1); short protein forms A387V.
Identifiers: ClinVar variation 411649 (VCV000411649.10), dbSNP rs919432113, ClinGen allele CA16612927.